The following is an entry in ClinVar:

ClinVar aggregate classification (germline): Conflicting classifications of pathogenicity. Review status: criteria provided, conflicting classifications (1 of 4 stars). 2 submissions from 2 submitters: Uncertain significance (1); Likely benign (1). Last evaluated 2023-11-27.

Conditions:
Inborn genetic diseases. Identifiers: MedGen C0950123, MeSH D030342.

Allele frequency attached by ClinVar (database versions not stated): gnomAD 0.00002; ExAC 0.00003; gnomAD exomes 0.00005; TOPMed 0.00007; ESP Exome Variant Server 0.00008.
gnomAD v4.1: 31 of 1,600,400 alleles (0.0019%); highest among the groups gnomAD compares: South Asian, 0.0056%; no homozygotes.

Submissions (2):

Labcorp Genetics (formerly Invitae), Labcorp
Classification: Uncertain significance. Last evaluated: 2023-11-27. Review status: criteria provided, single submitter. Criteria: Invitae Variant Classification Sherloc (09022015). Collection method: clinical testing. Allele origin: germline.
Comment: This sequence change replaces proline, which is neutral and non-polar, with leucine, which is neutral and non-polar, at codon 1348 of the WHSC1 protein (p.Pro1348Leu). This variant is present in population databases (rs370127436, gnomAD 0.007%). This variant has not been reported in the literature in individuals affected with WHSC1-related conditions. ClinVar contains an entry for this variant (Variation ID: 1680231). Algorithms developed to predict the effect of missense changes on protein structure and function output the following: SIFT: "Not Available"; PolyPhen-2: "Not Available"; Align-GVGD: "Not Available". The leucine amino acid residue is found in multiple mammalian species, which suggests that this missense change does not adversely affect protein function. In summary, the available evidence is currently insufficient to determine the role of this variant in disease. Therefore, it has been classified as a Variant of Uncertain Significance.

Ambry Genetics
Classification: Likely benign for Inborn genetic diseases. Last evaluated: 2022-06-17. Review status: criteria provided, single submitter. Criteria: Ambry Variant Classification Scheme 2023. Collection method: clinical testing. Allele origin: germline.

NM_001042424.3(NSD2):c.4043C>T (p.Pro1348Leu)

Gene: NSD2 (nuclear receptor binding SET domain protein 2; plus strand). Cytogenetic location: 4p16.3.
Variant type: single nucleotide variant.
Coding change: c.4043C>T on transcript NM_001042424.3 (MANE Select); coding-DNA position 4043, C replaced by T.
Protein change: p.Pro1348Leu; replaces proline 1348 with leucine.
Molecular consequence: missense variant.
Genome position (GRCh38, 1-based): chr4:1,978,854, C>T. VCF-style: chr4-1978854-C-T. GRCh37 (hg19) VCF-style: chr4-1980581-C-T.
Other names: c.4043C>T (NM_133330.2); c.4043C>T, p.Pro1348Leu (NM_133330.3, NM_133331.3, NM_133335.4); short protein forms P1348L.
Identifiers: ClinVar variation 1680231 (VCV001680231.7), dbSNP rs370127436, ClinGen allele CA2812959.
Genomic context (GRCh38, chr4:1,978,854, plus strand): 5'-TAGGGGCGGCATCGGTCAGAAGCACCAAGACTGAGAAGCCCCCCCCAGAGCCAGGGAAGC[C>T]GAAGGGGAAGAGGCGGCGGCGGAGGGGCTGGCGGAGAGTCACAGAGGGCAAATAGCGCCA-3'
Protein context (NP_001035889.1, residues 1338-1358): TEKPPPEPGK[Pro1348Leu]KGKRRRRRGW